The following is an entry in ClinVar:

ClinVar aggregate classification (germline): Uncertain significance (1 of 4 stars; one submission).

Allele frequency attached by ClinVar (database versions not stated): gnomAD exomes below 0.00001.
gnomAD v4.1: 2 of 1,614,146 alleles (0.00012%); highest among the groups gnomAD compares: Non-Finnish European, 0.00017%; no homozygotes.

Submission:

Labcorp Genetics (formerly Invitae), Labcorp
Classification: Uncertain significance. Last evaluated: 2022-10-13. Review status: criteria provided, single submitter. Criteria: Invitae Variant Classification Sherloc (09022015). Collection method: clinical testing. Allele origin: germline.
Comment: This sequence change replaces proline, which is neutral and non-polar, with arginine, which is basic and polar, at codon 1555 of the FAT4 protein (p.Pro1555Arg). This variant is not present in population databases (gnomAD no frequency). This variant has not been reported in the literature in individuals affected with FAT4-related conditions. ClinVar contains an entry for this variant (Variation ID: 1395335). Advanced modeling of protein sequence and biophysical properties (such as structural, functional, and spatial information, amino acid conservation, physicochemical variation, residue mobility, and thermodynamic stability) performed at Invitae indicates that this missense variant is not expected to disrupt FAT4 protein function. In summary, the available evidence is currently insufficient to determine the role of this variant in disease. Therefore, it has been classified as a Variant of Uncertain Significance.

NM_001291303.3(FAT4):c.4664C>G (p.Pro1555Arg)

Gene: FAT4 (FAT atypical cadherin 4; plus strand). Cytogenetic location: 4q28.1.
Variant type: single nucleotide variant.
Coding change: c.4664C>G on transcript NM_001291303.3 (MANE Select); coding-DNA position 4664, C replaced by G.
Protein change: p.Pro1555Arg; replaces proline 1555 with arginine.
Molecular consequence: missense variant.
Genome position (GRCh38, 1-based): chr4:125,321,075, C>G. VCF-style: chr4-125321075-C-G. GRCh37 (hg19) VCF-style: chr4-126242230-C-G.
Other names: c.4664C>G, p.Pro1555Arg (NM_001291285.3, NM_024582.6); short protein forms P1555R.
Identifiers: ClinVar variation 1395335 (VCV001395335.6), dbSNP rs2125945465, ClinGen allele CA358127394.